The following is an entry in ClinVar:

ClinVar aggregate classification (germline): Pathogenic (1 of 4 stars; one submission).

Conditions:
Recessive dystrophic epidermolysis bullosa (RDEB). Also called: DYSTROPHIC EPIDERMOLYSIS BULLOSA, AUTOSOMAL RECESSIVE; EPIDERMOLYSIS BULLOSA DYSTROPHICA, HALLOPEAU-SIEMENS TYPE; Hallopeau-Siemens Disease; severe generalized recessive dystrophic epidermolysis bullosa; EPIDERMOLYSIS BULLOSA DYSTROPHICA, GENERALIZED SEVERE, AUTOSOMAL RECESSIVE; Epidermolysis Bullosa Distrophica Autosomal Recessive (RDEB). Identifiers: Orphanet 79408, Orphanet 79409, MedGen C0079474, MONDO:0009179, OMIM 226600.

Submission:

Myriad Genetics, Inc.
Classification: Pathogenic for Recessive dystrophic epidermolysis bullosa. Last evaluated: 2026-07-22. Review status: criteria provided, single submitter. Criteria: Myriad Autosomal Dominant, Autosomal Recessive and X-Linked Classification Criteria (2023). Collection method: clinical testing. Allele origin: unknown.
Comment: NM_000094.3(COL7A1):c.4420G>T(G1474*) is expected to be pathogenic in the context of dystrophic epidermolysis bullosa. This variant is predicted to lead to an abnormal or absent protein product due to the creation of a premature termination codon in COL7A1, a gene where loss-of-function variants are known to be pathogenic. Please note: this variant was assessed in the context of healthy population screening.

NM_000094.4(COL7A1):c.4420G>T (p.Gly1474Ter)

Gene: COL7A1 (collagen type VII alpha 1 chain; minus strand). Cytogenetic location: 3p21.31.
Variant type: single nucleotide variant.
Coding change: c.4420G>T on transcript NM_000094.4 (MANE Select); coding-DNA position 4420, G replaced by T.
Protein change: p.Gly1474Ter; replaces glycine 1474 with a stop codon.
Molecular consequence: nonsense.
Genome position (GRCh38, 1-based): chr3:48,583,410, C>A on the plus strand (G>T on the coding strand, the complement: COL7A1 is on the minus strand). VCF-style: chr3-48583410-C-A. GRCh37 (hg19) VCF-style: chr3-48620843-C-A.
Other names: short protein forms G1474*.
Identifiers: ClinVar variation 5016149 (VCV005016149.1).